The following is an entry in ClinVar:

NM_001330078.2(NRXN1):c.2686A>G (p.Arg896Gly)

Gene: NRXN1 (neurexin 1; minus strand). Cytogenetic location: 2p16.3.
Variant type: single nucleotide variant.
Coding change: c.2686A>G on transcript NM_001330078.2 (MANE Select); coding-DNA position 2686, A replaced by G.
Protein change: p.Arg896Gly; replaces arginine 896 with glycine.
Molecular consequence: missense variant.
Genome position (GRCh38, 1-based): chr2:50,497,526, T>C on the plus strand (A>G on the coding strand, the complement: NRXN1 is on the minus strand). VCF-style: chr2-50497526-T-C. GRCh37 (hg19) VCF-style: chr2-50724664-T-C.
Other names: c.2806A>G, p.Arg936Gly (NM_001135659.3); c.2662A>G, p.Arg888Gly (NM_001330077.2, NM_001330082.2); c.2620A>G, p.Arg874Gly (NM_001330083.2, NM_001330084.2); c.2659A>G, p.Arg887Gly (NM_001330085.2); c.2686A>G, p.Arg896Gly (NM_001330086.2, NM_004801.6); c.2575A>G, p.Arg859Gly (NM_001330087.2, NM_001330096.2); c.2605A>G, p.Arg869Gly (NM_001330088.2); c.2683A>G, p.Arg895Gly (NM_001330093.2); and 2 more; short protein forms R892G, R888G, R879G, R869G, R874G, R887G, R895G, R896G.
Identifiers: ClinVar variation 2128220 (VCV002128220.4), dbSNP rs2104919574, ClinGen allele CA346777097.

ClinVar aggregate classification (germline): Uncertain significance (1 of 4 stars; one submission).

Conditions:
Pitt-Hopkins-like syndrome 2 (PTHSL2). Identifiers: Orphanet 221150, Orphanet 600663, MedGen C3280479, MONDO:0013690, OMIM 614325.

Submission:

Labcorp Genetics (formerly Invitae), Labcorp
Classification: Uncertain significance for Pitt-Hopkins-like syndrome 2. Last evaluated: 2022-07-01. Review status: criteria provided, single submitter. Criteria: Invitae Variant Classification Sherloc (09022015). Collection method: clinical testing. Allele origin: germline.
Comment: Algorithms developed to predict the effect of missense changes on protein structure and function (SIFT, PolyPhen-2, Align-GVGD) all suggest that this variant is likely to be tolerated. This variant has not been reported in the literature in individuals affected with NRXN1-related conditions. This variant is not present in population databases (gnomAD no frequency). This sequence change replaces arginine, which is basic and polar, with glycine, which is neutral and non-polar, at codon 936 of the NRXN1 protein (p.Arg936Gly). In summary, the available evidence is currently insufficient to determine the role of this variant in disease. Therefore, it has been classified as a Variant of Uncertain Significance.